The following is an entry in ClinVar:

ClinVar aggregate classification (germline): Uncertain significance. Review status: criteria provided, multiple submitters, no conflicts (2 of 4 stars). 2 submissions from 2 submitters: Uncertain significance (2). Last evaluated 2025-03-20.

Conditions:
Ehlers-Danlos syndrome, classic type, 1 (EDSCL1). Also called: EDS I; Ehlers-Danlos syndrome, type 1; EHLERS-DANLOS SYNDROME, GRAVIS TYPE; EHLERS-DANLOS SYNDROME, SEVERE CLASSIC TYPE; Ehlers-Danlos Syndrome, Classic Type, COL5A1-Related. Identifiers: MedGen C0268335, MONDO:0019567, OMIM 130000.
Osteogenesis imperfecta type I (OI1). Also called: Osteogenesis imperfecta type 1; Lobstein's Disease; OI, TYPE I; OSTEOGENESIS IMPERFECTA TARDA; OSTEOGENESIS IMPERFECTA WITH BLUE SCLERAE; Lobstein disease. Identifiers: Orphanet 216796, Orphanet 666, MedGen C0023931, MONDO:0008146, OMIM 166200. Disease mechanism: loss of function.

gnomAD v4.1: 2 of 1,613,750 alleles (0.00012%); highest among the groups gnomAD compares: Non-Finnish European, 0.000085%; no homozygotes.

Submissions (2):

Labcorp Genetics (formerly Invitae), Labcorp
Classification: Uncertain significance for Osteogenesis imperfecta type I; Ehlers-Danlos syndrome, classic type, 1. Last evaluated: 2025-03-20. Review status: criteria provided, single submitter. Criteria: Invitae Variant Classification Sherloc (09022015). Collection method: clinical testing. Allele origin: germline.
Comment: This sequence change replaces arginine, which is basic and polar, with serine, which is neutral and polar, at codon 38 of the COL1A2 protein (p.Arg38Ser). This variant is not present in population databases (gnomAD no frequency). This variant has not been reported in the literature in individuals affected with COL1A2-related conditions. ClinVar contains an entry for this variant (Variation ID: 1699879). Invitae Evidence Modeling of protein sequence and biophysical properties (such as structural, functional, and spatial information, amino acid conservation, physicochemical variation, residue mobility, and thermodynamic stability) indicates that this missense variant is not expected to disrupt COL1A2 protein function with a negative predictive value of 80%. In summary, the available evidence is currently insufficient to determine the role of this variant in disease. Therefore, it has been classified as a Variant of Uncertain Significance.

GeneDx
Classification: Uncertain significance. Last evaluated: 2022-02-01. Review status: criteria provided, single submitter. Criteria: GeneDx Variant Classification Process June 2021. Collection method: clinical testing. Allele origin: germline. Affected: yes.
Comment: Not observed at significant frequency in large population cohorts (gnomAD); In silico analysis supports that this missense variant does not alter protein structure/function; Not located in the triple helical region, where the majority of pathogenic missense variants occur (Stenson et al., 2014); Has not been previously published as pathogenic or benign to our knowledge

NM_000089.4(COL1A2):c.114A>C (p.Arg38Ser)

Gene: COL1A2 (collagen type I alpha 2 chain; plus strand). Cytogenetic location: 7q21.3.
Variant type: single nucleotide variant.
Coding change: c.114A>C on transcript NM_000089.4 (MANE Select); coding-DNA position 114, A replaced by C.
Protein change: p.Arg38Ser; replaces arginine 38 with serine.
Molecular consequence: missense variant.
Genome position (GRCh38, 1-based): chr7:94,399,066, A>C. VCF-style: chr7-94399066-A-C. GRCh37 (hg19) VCF-style: chr7-94028378-A-C.
Other names: short protein forms R38S.
Identifiers: ClinVar variation 1699879 (VCV001699879.3), dbSNP rs1462108134, ClinGen allele CA368219061.